The following is an entry in ClinVar:

NM_002335.4(LRP5):c.271T>C (p.Tyr91His)

Gene: LRP5 (LDL receptor related protein 5; plus strand). Cytogenetic location: 11q13.2.
Variant type: single nucleotide variant.
Coding change: c.271T>C on transcript NM_002335.4 (MANE Select); coding-DNA position 271, T replaced by C.
Protein change: p.Tyr91His; replaces tyrosine 91 with histidine.
Molecular consequence: missense variant. On other transcripts: 5 prime UTR variant (1).
Genome position (GRCh38, 1-based): chr11:68,348,026, T>C. VCF-style: chr11-68348026-T-C. GRCh37 (hg19) VCF-style: chr11-68115494-T-C.
Other names: c.-1495T>C (NM_001291902.2); short protein forms Y91H.
Identifiers: ClinVar variation 4800446 (VCV004800446.1).
Genomic context (GRCh38, chr11:68,348,026, plus strand): 5'-CAGTTTTCCAAGGGAGCCGTGTACTGGACAGACGTGAGCGAGGAGGCCATCAAGCAGACC[T>C]ACCTGAACCAGACGGGGGCCGCCGTGCAGAACGTGGTCATCTCCGGCCTGGTCTCTCCCG-3'
Protein context (NP_002326.2, residues 81-101): DVSEEAIKQT[Tyr91His]LNQTGAAVQN

ClinVar aggregate classification (germline): Uncertain significance (1 of 4 stars; one submission).

gnomAD v4.1: 4 of 1,614,136 alleles (0.00025%); highest among the groups gnomAD compares: East Asian, 0.0045%; no homozygotes.

Submission:

Labcorp Genetics (formerly Invitae), Labcorp
Classification: Uncertain significance. Last evaluated: 2025-11-19. Review status: criteria provided, single submitter. Criteria: Invitae Variant Classification Sherloc (09022015). Collection method: clinical testing. Allele origin: germline.
Comment: This sequence change replaces tyrosine, which is neutral and polar, with histidine, which is basic and polar, at codon 91 of the LRP5 protein (p.Tyr91His). This variant is present in population databases (no rsID available, gnomAD 0.006%). This variant has not been reported in the literature in individuals affected with LRP5-related conditions. Invitae Evidence Modeling of protein sequence and biophysical properties (such as structural, functional, and spatial information, amino acid conservation, physicochemical variation, residue mobility, and thermodynamic stability) indicates that this missense variant is not expected to disrupt LRP5 protein function with a negative predictive value of 95%. In summary, the available evidence is currently insufficient to determine the role of this variant in disease. Therefore, it has been classified as a Variant of Uncertain Significance.